The following is an entry in ClinVar:

ClinVar aggregate classification (germline): Conflicting classifications of pathogenicity. Review status: criteria provided, conflicting classifications (1 of 4 stars). 6 submissions from 6 submitters: Uncertain significance (1); Benign (2); Likely benign (2). 1 of the submissions does not count toward it. Last evaluated 2026-01-24.

Conditions:
TMPRSS3-related disorder. Also called: TMPRSS3-related condition.
Autosomal recessive nonsyndromic hearing loss 8 (DFNB8). Also called: NEUROSENSORY NONSYNDROMIC RECESSIVE DEAFNESS 8; Deafness, autosomal recessive 10. Identifiers: Orphanet 90636, MedGen C1832827, MONDO:0010987, OMIM 601072.

Allele frequency attached by ClinVar (database versions not stated): ESP Exome Variant Server 0.00008; gnomAD exomes 0.00062 and 0.00129; gnomAD 0.00066 and 0.00076; TOPMed 0.00080; ExAC 0.00117; 1000 Genomes Project 0.00200; 1000 Genomes Project 30x 0.00203.
gnomAD v4.1: 1,023 of 1,613,728 alleles (0.063%); highest among the groups gnomAD compares: East Asian, 0.83%; 3 homozygotes.

Submissions (6):

Labcorp Genetics (formerly Invitae), Labcorp
Classification: Benign. Last evaluated: 2026-01-24. Review status: criteria provided, single submitter. Criteria: Invitae Variant Classification Sherloc (09022015). Collection method: clinical testing. Allele origin: germline.

Blueprint Genetics
Classification: Likely benign. Last evaluated: 2024-07-29. Review status: criteria provided, single submitter. Criteria: ACMG Guidelines, 2015. Collection method: clinical testing. Allele origin: germline.

GeneDx
Classification: Likely benign. Last evaluated: 2021-01-18. Review status: criteria provided, single submitter. Criteria: GeneDx Variant Classification Process June 2021. Collection method: clinical testing. Allele origin: germline. Affected: yes.

Illumina Laboratory Services, Illumina
Classification: Uncertain significance for Autosomal recessive nonsyndromic hearing loss 8. Last evaluated: 2018-01-13. Review status: criteria provided, single submitter. Criteria: ICSL Variant Classification Criteria 13 December 2019. Collection method: clinical testing. Allele origin: germline.

Laboratory for Molecular Medicine, Mass General Brigham Personalized Medicine
Classification: Benign. Last evaluated: 2015-07-05. Review status: criteria provided, single submitter. Criteria: LMM Criteria. Collection method: clinical testing. Allele origin: germline. Observed: 5 variant alleles.
Comment: p.His445His in exon 12 of TMPRSS3: This variant is not expected to have clinical significance because it does not alter an amino acid residue, is not located wi thin the splice consensus sequence, and has been identified in 1.5% (126/8644) o f East Asian chromosomes by the Exome Aggregation Consortium (ExAC.; dbSNP rs186972955

PreventionGenetics, part of Exact Sciences
Classification: Benign for TMPRSS3-related condition. Last evaluated: 2019-05-24. Review status: no assertion criteria provided. Collection method: clinical testing. Allele origin: germline. Not counted in ClinVar's aggregate classification.
Comment: This variant is classified as benign based on ACMG/AMP sequence variant interpretation guidelines (Richards et al. 2015 PMID: 25741868, with internal and published modifications).

NM_001256317.3(TMPRSS3):c.1332C>T (p.His444=)

Gene: TMPRSS3 (transmembrane serine protease 3; minus strand). Cytogenetic location: 21q22.3.
Variant type: single nucleotide variant.
Coding change: c.1332C>T on transcript NM_001256317.3 (MANE Select); coding-DNA position 1332, C replaced by T.
Protein change: p.His444=; no amino-acid change (histidine 444 retained).
Molecular consequence: synonymous variant.
Genome position (GRCh38, 1-based): chr21:42,375,728, G>A on the plus strand (C>T on the coding strand, the complement: TMPRSS3 is on the minus strand). VCF-style: chr21-42375728-G-A. GRCh37 (hg19) VCF-style: chr21-43795837-G-A.
Other names: c.1335C>T, p.His445= (NM_024022.4); c.954C>T, p.His318= (NM_032404.3).
Identifiers: ClinVar variation 178547 (VCV000178547.22), dbSNP rs186972955, ClinGen allele CA182536.